The following is an entry in ClinVar:

ClinVar aggregate classification (germline): Uncertain significance. Review status: criteria provided, multiple submitters, no conflicts (2 of 4 stars). 3 submissions from 3 submitters: Uncertain significance (3). Last evaluated 2024-04-08.

Conditions:
Hypertrophic cardiomyopathy 15. Identifiers: MedGen C2750459, MONDO:0013200, OMIM 613255.
Dilated cardiomyopathy 1W (CMD1W). Identifiers: Orphanet 154, MedGen C1969639, MONDO:0012667, OMIM 611407.

Allele frequency attached by ClinVar (database versions not stated): TOPMed below 0.00001.

Submissions (3):

Labcorp Genetics (formerly Invitae), Labcorp
Classification: Uncertain significance for Dilated cardiomyopathy 1W. Last evaluated: 2024-04-08. Review status: criteria provided, single submitter. Criteria: Invitae Variant Classification Sherloc (09022015). Collection method: clinical testing. Allele origin: germline.
Comment: This sequence change affects an acceptor splice site in intron 12 of the VCL gene. It is expected to disrupt RNA splicing. Variants that disrupt the donor or acceptor splice site typically lead to a loss of protein function (PMID: 16199547), however the current clinical and genetic evidence is not sufficient to establish whether loss-of-function variants in VCL cause disease. This variant is not present in population databases (gnomAD no frequency). Disruption of this splice site has been observed in individual(s) with clinical features of VCL-related conditions (PMID: 32516855). ClinVar contains an entry for this variant (Variation ID: 392837). Algorithms developed to predict the effect of sequence changes on RNA splicing suggest that this variant may disrupt the consensus splice site. In summary, the available evidence is currently insufficient to determine the role of this variant in disease. Therefore, it has been classified as a Variant of Uncertain Significance.

Fulgent Genetics
Classification: Uncertain significance for Dilated cardiomyopathy 1W; Hypertrophic cardiomyopathy 15. Last evaluated: 2021-07-06. Review status: criteria provided, single submitter. Criteria: ACMG Guidelines, 2015. Collection method: clinical testing. Allele origin: unknown.

GeneDx
Classification: Uncertain significance. Last evaluated: 2017-01-16. Review status: criteria provided, single submitter. Criteria: GeneDx Variant Classification (06012015). Collection method: clinical testing. Allele origin: germline. Affected: yes.
Comment: The c.1744-1 G>T variant has not been reported as a pathogenic or benign to our knowledge. It destroys the canonical splice acceptor site in intron 12 at a position conserved across species, leaving the adjacent exon out of frame, and is predicted to cause abnormal gene splicing. This variant is predicted to lead to either an abnormal message that is subject to nonsense-mediated mRNA decay, or to an abnormal protein product if the message is used for protein translation. However, no other definitively pathogenic splice site variants in the VCL gene have been reported in HGMD in association with cardiomyopathy (Stenson et al., 2014). Nevertheless, the c.1744-1 G>T variant is not observed in large population cohorts (Lek et al., 2016; 1000 Genomes Consortium et al., 2015; Exome Variant Server).

Literature cited by the submitters: PubMed 16199547 (cited by Labcorp Genetics (formerly Invitae), Labcorp); PubMed 32516855 (cited by Labcorp Genetics (formerly Invitae), Labcorp).

NM_014000.3(VCL):c.1744-1G>T

Gene: VCL (vinculin; plus strand). Cytogenetic location: 10q22.2.
Variant type: single nucleotide variant.
Coding change: c.1744-1G>T on transcript NM_014000.3 (MANE Select); the canonical splice acceptor site of the intron before coding-DNA position 1744, G replaced by T.
Molecular consequence: splice acceptor variant.
Genome position (GRCh38, 1-based): chr10:74,097,203, G>T. VCF-style: chr10-74097203-G-T. GRCh37 (hg19) VCF-style: chr10-75856961-G-T.
Other names: c.1744-1G>T (NM_003373.4).
Identifiers: ClinVar variation 392837 (VCV000392837.11), dbSNP rs1057524654, ClinGen allele CA16605917.
Genomic context (GRCh38, chr10:74,097,203, plus strand): 5'-ATTAGTAGATATGCTTTGAGGATGTATCTGGACATTTTCATATGTAAACAATGTTTTTAA[G>T]GATCTAAAAGCTCGGATGCAGGAGGCCATGACTCAGGAAGTGTCAGATGTTTTCAGCGAT-3'